The following is an entry in ClinVar:

NM_000095.3(COMP):c.503T>C (p.Leu168Pro)

Gene: COMP (cartilage oligomeric matrix protein; minus strand). Cytogenetic location: 19p13.11.
Variant type: single nucleotide variant.
Coding change: c.503T>C on transcript NM_000095.3 (MANE Select); coding-DNA position 503, T replaced by C.
Protein change: p.Leu168Pro; replaces leucine 168 with proline.
Molecular consequence: missense variant.
Genome position (GRCh38, 1-based): chr19:18,789,185, A>G on the plus strand (T>C on the coding strand, the complement: COMP is on the minus strand). VCF-style: chr19-18789185-A-G. GRCh37 (hg19) VCF-style: chr19-18899994-A-G.
Other names: short protein forms L168P.
Identifiers: ClinVar variation 2149093 (VCV002149093.4), dbSNP rs996651303, ClinGen allele CA306258784.

ClinVar aggregate classification (germline): Uncertain significance (1 of 4 stars; one submission).

Allele frequency attached by ClinVar (database versions not stated): gnomAD exomes 0.00001; TOPMed 0.00002; gnomAD 0.00004.
gnomAD v4.1: 19 of 1,576,748 alleles (0.0012%); highest among the groups gnomAD compares: Non-Finnish European, 0.0016%; no homozygotes.

Submission:

Labcorp Genetics (formerly Invitae), Labcorp
Classification: Uncertain significance. Last evaluated: 2025-01-27. Review status: criteria provided, single submitter. Criteria: Invitae Variant Classification Sherloc (09022015). Collection method: clinical testing. Allele origin: germline.
Comment: This sequence change replaces leucine, which is neutral and non-polar, with proline, which is neutral and non-polar, at codon 168 of the COMP protein (p.Leu168Pro). This variant is present in population databases (no rsID available, gnomAD 0.005%). This variant has not been reported in the literature in individuals affected with COMP-related conditions. ClinVar contains an entry for this variant (Variation ID: 2149093). Invitae Evidence Modeling of protein sequence and biophysical properties (such as structural, functional, and spatial information, amino acid conservation, physicochemical variation, residue mobility, and thermodynamic stability) indicates that this missense variant is not expected to disrupt COMP protein function with a negative predictive value of 80%. In summary, the available evidence is currently insufficient to determine the role of this variant in disease. Therefore, it has been classified as a Variant of Uncertain Significance.